The following is an entry in ClinVar:

ClinVar aggregate classification (germline): Likely benign (1 of 4 stars; one submission).

Allele frequency attached by ClinVar (database versions not stated): gnomAD exomes below 0.00001; gnomAD 0.00001; TOPMed 0.00002.
gnomAD v4.1: 6 of 1,612,414 alleles (0.00037%); highest among the groups gnomAD compares: Admixed American, 0.0017%; no homozygotes.

Submission:

CeGaT Center for Human Genetics Tuebingen
Classification: Likely benign. Last evaluated: 2022-11-01. Review status: criteria provided, single submitter. Criteria: CeGaT Center For Human Genetics Tuebingen Variant Classification Criteria Version 2. Collection method: clinical testing. Allele origin: germline. Affected: yes. Observed: 1 variant allele.
Comment: ABCA2: BP4, BP7

NM_001606.5(ABCA2):c.2181C>T (p.Ile727=)

Gene: ABCA2 (ATP binding cassette subfamily A member 2; minus strand). Cytogenetic location: 9q34.3.
Variant type: single nucleotide variant.
Coding change: c.2181C>T on transcript NM_001606.5 (MANE Select); coding-DNA position 2181, C replaced by T.
Protein change: p.Ile727=; no amino-acid change (isoleucine 727 retained).
Molecular consequence: synonymous variant.
Genome position (GRCh38, 1-based): chr9:137,017,817, G>A on the plus strand (C>T on the coding strand, the complement: ABCA2 is on the minus strand). VCF-style: chr9-137017817-G-A. GRCh37 (hg19) VCF-style: chr9-139912269-G-A.
Other names: c.2178C>T, p.Ile726= (NM_001411042.1); c.2271C>T, p.Ile757= (NM_212533.3).
Identifiers: ClinVar variation 2659784 (VCV002659784.24), dbSNP rs1345225370, ClinGen allele CA467846229.
Genomic context (GRCh38, chr9:137,017,817, plus strand): 5'-CGCCTCCAGGGAGAGTCCCGGCCCGCGCACCTCCTTGAGCCGGTGCTCCTTCTCCGCCAC[G>A]ATGTGCTGGATGGTCATGGCCACGGAGTAGACCCAGGAGATCACCATGCACAGCGGCATC-3'
Protein context (NP_001597.2, residues 717-737): VYSVAMTIQH[Ile727=]VAEKEHRLKE